The following is an entry in ClinVar:

ClinVar aggregate classification (germline): Uncertain significance (1 of 4 stars; one submission).

Conditions:
Hereditary sensory neuropathy-deafness-dementia syndrome. Also called: NEUROPATHY, HEREDITARY SENSORY, WITH HEARING LOSS AND DEMENTIA; Hereditary sensory neuropathy type IE; HSN IE; Hereditary Sensory and Autonomic Neuropathy Type 1E (HSAN1E). Identifiers: Orphanet 456318, MedGen C3279885, MONDO:0013584, OMIM 614116.

Allele frequency attached by ClinVar (database versions not stated): ExAC 0.00001; gnomAD 0.00001; gnomAD exomes 0.00001; TOPMed 0.00001.
gnomAD v4.1: 16 of 1,613,610 alleles (0.00099%); highest among the groups gnomAD compares: South Asian, 0.0033%; no homozygotes.

Submission:

Labcorp Genetics (formerly Invitae), Labcorp
Classification: Uncertain significance for Hereditary sensory neuropathy-deafness-dementia syndrome. Last evaluated: 2022-04-28. Review status: criteria provided, single submitter. Criteria: Invitae Variant Classification Sherloc (09022015). Collection method: clinical testing. Allele origin: germline.
Comment: ClinVar contains an entry for this variant (Variation ID: 571637). Algorithms developed to predict the effect of missense changes on protein structure and function are either unavailable or do not agree on the potential impact of this missense change (SIFT: "Deleterious"; PolyPhen-2: "Benign"; Align-GVGD: "Class C0"). In summary, the available evidence is currently insufficient to determine the role of this variant in disease. Therefore, it has been classified as a Variant of Uncertain Significance. This variant has not been reported in the literature in individuals affected with DNMT1-related conditions. This sequence change replaces arginine, which is basic and polar, with cysteine, which is neutral and slightly polar, at codon 1301 of the DNMT1 protein (p.Arg1301Cys). The frequency data for this variant in the population databases is considered unreliable, as metrics indicate poor data quality at this position in the gnomAD database.

NM_001130823.3(DNMT1):c.3901C>T (p.Arg1301Cys)

Gene: DNMT1 (DNA methyltransferase 1; minus strand). Cytogenetic location: 19p13.2.
Variant type: single nucleotide variant.
Coding change: c.3901C>T on transcript NM_001130823.3 (MANE Select); coding-DNA position 3901, C replaced by T.
Protein change: p.Arg1301Cys; replaces arginine 1301 with cysteine.
Molecular consequence: missense variant.
Genome position (GRCh38, 1-based): chr19:10,139,723, G>A on the plus strand (C>T on the coding strand, the complement: DNMT1 is on the minus strand). VCF-style: chr19-10139723-G-A. GRCh37 (hg19) VCF-style: chr19-10250399-G-A.
Other names: c.3901C>T (LRG_362t1); c.3853C>T, p.Arg1285Cys (NM_001318730.2, NM_001379.4); c.3538C>T, p.Arg1180Cys (NM_001318731.2); short protein forms R1301C, R1180C, R1285C.
Identifiers: ClinVar variation 571637 (VCV000571637.8), dbSNP rs755492225, ClinGen allele CA9187652.